The following is an entry in ClinVar:

NM_004104.5(FASN):c.6350C>T (p.Ala2117Val)

Gene: FASN (fatty acid synthase; minus strand). Cytogenetic location: 17q25.3.
Variant type: single nucleotide variant.
Coding change: c.6350C>T on transcript NM_004104.5 (MANE Select); coding-DNA position 6350, C replaced by T.
Protein change: p.Ala2117Val; replaces alanine 2117 with valine.
Molecular consequence: missense variant.
Genome position (GRCh38, 1-based): chr17:82,081,657, G>A on the plus strand (C>T on the coding strand, the complement: FASN is on the minus strand). VCF-style: chr17-82081657-G-A. GRCh37 (hg19) VCF-style: chr17-80039533-G-A.
Other names: c.6350C>T (NM_004104.4); short protein forms A2117V.
Identifiers: ClinVar variation 1021872 (VCV001021872.10), dbSNP rs200770181, ClinGen allele CA8851334.
Genomic context (GRCh38, chr17:82,081,657, plus strand): 5'-TCACCCAGGATGTGTGCCACGGCCTCCACCAGGTCCCGCTGGCTGTCCCTGTCCCTATAG[G>A]CCGCAGCCTTCTCAGCCAGCACAAAGCTGCTCAGGACCATGTGGGGCTGGTTCAGGAAGA-3'
Protein context (NP_004095.4, residues 2107-2127): SSFVLAEKAA[Ala2117Val]YRDRDSQRDL

ClinVar aggregate classification (germline): Uncertain significance. Review status: criteria provided, multiple submitters, no conflicts (2 of 4 stars). 2 submissions from 2 submitters: Uncertain significance (2). Last evaluated 2024-08-01.

Conditions:
Epileptic encephalopathy. Identifiers: MedGen C0543888, HP:0200134.

Allele frequency attached by ClinVar (database versions not stated): ExAC 0.00001; gnomAD 0.00001; gnomAD exomes 0.00001 and 0.00003; TOPMed 0.00001; 1000 Genomes Project 0.00020; 1000 Genomes Project 30x 0.00031.
gnomAD v4.1: 9 of 1,612,772 alleles (0.00056%); highest among the groups gnomAD compares: East Asian, 0.011%; no homozygotes.

Submissions (2):

Ambry Genetics
Classification: Uncertain significance. Last evaluated: 2024-08-01. Review status: criteria provided, single submitter. Criteria: Ambry Variant Classification Scheme 2023. Collection method: clinical testing. Allele origin: germline.

Labcorp Genetics (formerly Invitae), Labcorp
Classification: Uncertain significance for Epileptic encephalopathy. Last evaluated: 2024-04-10. Review status: criteria provided, single submitter. Criteria: Invitae Variant Classification Sherloc (09022015). Collection method: clinical testing. Allele origin: germline.
Comment: This sequence change replaces alanine, which is neutral and non-polar, with valine, which is neutral and non-polar, at codon 2117 of the FASN protein (p.Ala2117Val). This variant is present in population databases (rs200770181, gnomAD 0.03%). This variant has not been reported in the literature in individuals affected with FASN-related conditions. ClinVar contains an entry for this variant (Variation ID: 1021872). An algorithm developed to predict the effect of missense changes on protein structure and function (PolyPhen-2) suggests that this variant is likely to be tolerated. In summary, the available evidence is currently insufficient to determine the role of this variant in disease. Therefore, it has been classified as a Variant of Uncertain Significance.